The following is an entry in ClinVar:

ClinVar aggregate classification (germline): Conflicting classifications of pathogenicity. Review status: criteria provided, conflicting classifications (1 of 4 stars). 4 submissions from 4 submitters: Uncertain significance (3); Likely benign (1). Last evaluated 2026-05-29.

Conditions:
Inborn genetic diseases. Identifiers: MedGen C0950123, MeSH D030342.
Pyridoxine-dependent epilepsy (EPEO4). Also called: EPILEPSY, EARLY-ONSET, 4, VITAMIN B6-DEPENDENT; Pyridoxine-Dependent Epilepsy - ALDH7A1; Pyridoxine-Dependent Seizures; PYRIDOXINE DEPENDENCY WITH SEIZURES. Identifiers: Orphanet 3006, MedGen C1849508, MONDO:0009945, OMIM 266100. Disease mechanism: loss of function.

Allele frequency attached by ClinVar (database versions not stated): gnomAD 0.00002; gnomAD exomes 0.00002 and 0.00007; TOPMed 0.00002; ExAC 0.00010.
gnomAD v4.1: 33 of 1,613,564 alleles (0.002%); highest among the groups gnomAD compares: Middle Eastern, 0.017%; no homozygotes.

Submissions (4):

Ambry Genetics
Classification: Uncertain significance for Inborn genetic diseases. Last evaluated: 2026-05-29. Review status: criteria provided, single submitter. Criteria: Ambry Variant Classification Scheme 2023. Collection method: clinical testing. Allele origin: germline.
Comment: The c.1356A>C (p.K452N) alteration is located in exon 15 (coding exon 15) of the ALDH7A1 gene. This alteration results from a A to C substitution at nucleotide position 1356, causing the lysine (K) at amino acid position 452 to be replaced by an asparagine (N). Based on data from gnomAD, the C allele has an overall frequency of 0.006% (18/282636) total alleles studied. The highest observed frequency was 0.014% (1/7216) of Other alleles. Based on insufficient or conflicting evidence, the clinical significance of this alteration remains unclear.

Labcorp Genetics (formerly Invitae), Labcorp
Classification: Likely benign for Pyridoxine-dependent epilepsy. Last evaluated: 2025-05-01. Review status: criteria provided, single submitter. Criteria: Invitae Variant Classification Sherloc (09022015). Collection method: clinical testing. Allele origin: germline.

GeneDx
Classification: Uncertain significance. Last evaluated: 2025-04-22. Review status: criteria provided, single submitter. Criteria: GeneDx Variant Classification Process June 2021. Collection method: clinical testing. Allele origin: germline. Affected: yes.
Comment: Not observed at significant frequency in large population cohorts (gnomAD); In silico analysis indicates that this missense variant does not alter protein structure/function; Reported previously as a heterozygous variant in a patient with with pyridoxine-dependent epilepsy; of note, this article is written in Turkish with limited information provided in the abstract (Serin HM et al. Turkish Journal of Pediatric Disease.); This variant is associated with the following publications: (PMID: Serin2020[article])

Blueprint Genetics
Classification: Uncertain significance. Last evaluated: 2024-08-16. Review status: criteria provided, single submitter. Criteria: ACMG Guidelines, 2015. Collection method: clinical testing. Allele origin: germline.

NM_001182.5(ALDH7A1):c.1356A>C (p.Lys452Asn)

Gene: ALDH7A1 (aldehyde dehydrogenase 7 family member A1; minus strand). Cytogenetic location: 5q23.2.
Variant type: single nucleotide variant.
Coding change: c.1356A>C on transcript NM_001182.5 (MANE Select); coding-DNA position 1356, A replaced by C.
Protein change: p.Lys452Asn; replaces lysine 452 with asparagine.
Molecular consequence: missense variant.
Genome position (GRCh38, 1-based): chr5:126,550,255, T>G on the plus strand (A>C on the coding strand, the complement: ALDH7A1 is on the minus strand). VCF-style: chr5-126550255-T-G. GRCh37 (hg19) VCF-style: chr5-125885947-T-G.
Other names: c.1272A>C, p.Lys424Asn (NM_001201377.2); c.1164A>C, p.Lys388Asn (NM_001202404.2); short protein forms K452N, K424N, K388N.
Identifiers: ClinVar variation 580634 (VCV000580634.14), dbSNP rs756859037, ClinGen allele CA3389436.